The following is an entry in ClinVar:

ClinVar aggregate classification (germline): Uncertain significance. Review status: criteria provided, multiple submitters, no conflicts (2 of 4 stars). 2 submissions from 2 submitters: Uncertain significance (2). Last evaluated 2021-08-26.

Conditions:
Giant axonal neuropathy 1 (GAN1). Also called: GAN-Related Neurodegeneration; GIANT AXONAL NEUROPATHY 1, AUTOSOMAL RECESSIVE. Identifiers: Orphanet 643, MedGen C1850386, MONDO:0009749, OMIM 256850.

Allele frequency attached by ClinVar (database versions not stated): ExAC 0.00001.

Submissions (2):

Labcorp Genetics (formerly Invitae), Labcorp
Classification: Uncertain significance for Giant axonal neuropathy 1. Last evaluated: 2021-08-26. Review status: criteria provided, single submitter. Criteria: Invitae Variant Classification Sherloc (09022015). Collection method: clinical testing. Allele origin: germline.
Comment: This sequence change replaces alanine with serine at codon 50 of the GAN protein (p.Ala50Ser). The alanine residue is moderately conserved and there is a moderate physicochemical difference between alanine and serine. This variant is present in population databases (rs761981181, ExAC 0.003%). This variant has not been reported in the literature in individuals with GAN-related conditions. Algorithms developed to predict the effect of missense changes on protein structure and function are either unavailable or do not agree on the potential impact of this missense change (SIFT: "Deleterious"; PolyPhen-2: "Possibly Damaging"; Align-GVGD: "Class C0"). In summary, the available evidence is currently insufficient to determine the role of this variant in disease. Therefore, it has been classified as a Variant of Uncertain Significance.

Illumina Laboratory Services, Illumina
Classification: Uncertain significance for Giant axonal neuropathy 1. Last evaluated: 2018-01-12. Review status: criteria provided, single submitter. Criteria: ICSL Variant Classification Criteria 13 December 2019. Collection method: clinical testing. Allele origin: germline.

NM_022041.4(GAN):c.148G>T (p.Ala50Ser)

Genes: GAN (gigaxonin; plus strand), LOC130059498 (ATAC-STARR-seq lymphoblastoid silent region 7753; plus strand). Cytogenetic location: 16q23.2.
Variant type: single nucleotide variant.
Coding change: c.148G>T on transcript NM_022041.4 (MANE Select); coding-DNA position 148, G replaced by T.
Protein change: p.Ala50Ser; replaces alanine 50 with serine.
Molecular consequence: missense variant. On other transcripts: 5 prime UTR variant (1).
Genome position (GRCh38, 1-based): chr16:81,315,261, G>T. VCF-style: chr16-81315261-G-T. GRCh37 (hg19) VCF-style: chr16-81348866-G-T.
Other names: c.-377G>T (NM_001377486.1); short protein forms A50S.
Identifiers: ClinVar variation 842136 (VCV000842136.11), dbSNP rs761981181, ClinGen allele CA8191257.